The following is an entry in ClinVar:

ClinVar aggregate classification (germline): Benign (1 of 4 stars; one submission).

Allele frequency attached by ClinVar (database versions not stated): 1000 Genomes Project 0.07588; 1000 Genomes Project 30x 0.07605; TOPMed 0.10737; ESP Exome Variant Server 0.12033.

Submissions (2):

Unidad de Genómica Garrahan, Hospital de Pediatría Garrahan
Classification: Benign. Last evaluated: 2024-01-24. Review status: criteria provided, single submitter. Criteria: ACMG Guidelines, 2015. Collection method: clinical testing. Allele origin: germline. Affected: no. Observed: 21 variant alleles.
Comment: This variant is classified as Benign based on local population frequency. This variant was detected in 22% of patients studied by a panel of primary immunodeficiencies. Number of patients: 21. Only high quality variants are reported.

Dr. Peter K. Rogan Lab, Western University
No classification provided (evidence only). Condition: Uterine carcinosarcoma. Review status: no classification provided. Collection method: in vitro. Allele origin: not applicable. Functional consequence: retained intron. Not counted in ClinVar's aggregate classification.

NM_001631.5(ALPI):c.991+33C>T

Gene: ALPI (alkaline phosphatase, intestinal; plus strand). Cytogenetic location: 2q37.1.
Variant type: single nucleotide variant.
Coding change: c.991+33C>T on transcript NM_001631.5 (MANE Select); 33 bases into the intron after coding-DNA position 991, C replaced by T.
Molecular consequence: intron variant.
Genome position (GRCh38, 1-based): chr2:232,458,165, C>T. VCF-style: chr2-232458165-C-T. GRCh37 (hg19) VCF-style: chr2-233322875-C-T.
Other names: NC_000002.11:g.233322875C>T.
Identifiers: ClinVar variation 2688326 (VCV002688326.3), dbSNP rs2272421, ClinGen allele CA2166594.